The following is an entry in ClinVar:

NM_004168.4(SDHA):c.1A>C (p.Met1Leu)

Gene: SDHA (succinate dehydrogenase complex flavoprotein subunit A; plus strand). Cytogenetic location: 5p15.33.
Variant type: single nucleotide variant.
Coding change: c.1A>C on transcript NM_004168.4 (MANE Select); coding-DNA position 1, A replaced by C.
Protein change: p.Met1Leu; changes the start codon (methionine 1).
Molecular consequence: missense variant, initiator codon variant.
Genome position (GRCh38, 1-based): chr5:218,356, A>C. VCF-style: chr5-218356-A-C. GRCh37 (hg19) VCF-style: chr5-218471-A-C.
Other names: c.1A>C, p.Met1Leu (NM_001294332.2, NM_001330758.2); short protein forms M1L.
Identifiers: ClinVar variation 8744 (VCV000008744.18), dbSNP rs1061517, ClinGen allele CA119881.

ClinVar aggregate classification (germline): Pathogenic. Review status: criteria provided, multiple submitters, no conflicts (2 of 4 stars). 5 submissions from 5 submitters: Pathogenic (4). 1 of the submissions does not count toward it. Last evaluated 2025-09-15.

Conditions:
Neurodegeneration with ataxia and late-onset optic atrophy. Identifiers: MedGen C5543254, MONDO:0031006, OMIM 619259.
Mitochondrial complex II deficiency, nuclear type 1. Also called: SUCCINATE CoQ REDUCTASE DEFICIENCY. Identifiers: Orphanet 3208, MedGen C5700310, MONDO:0100294, OMIM 252011.
Pheochromocytoma/paraganglioma syndrome 5. Also called: Paragangliomas 5; SDHA-Related Hereditary Paraganglioma-Pheochromocytoma Syndrome. Identifiers: Orphanet 29072, MedGen C3279992, MONDO:0013602, OMIM 614165.
Hereditary cancer-predisposing syndrome. Also called: Hereditary neoplastic syndrome; Neoplastic Syndromes, Hereditary; Tumor predisposition; Hereditary Cancer Syndrome. Identifiers: Orphanet 140162, MedGen C0027672, MeSH D009386, MONDO:0015356.

Allele frequency attached by ClinVar (database versions not stated): TOPMed 0.00001.

Submissions (5):

Labcorp Genetics (formerly Invitae), Labcorp
Classification: Pathogenic for Pheochromocytoma/paraganglioma syndrome 5; Mitochondrial complex II deficiency, nuclear type 1. Last evaluated: 2025-09-15. Review status: criteria provided, single submitter. Criteria: Invitae Variant Classification Sherloc (09022015). Collection method: clinical testing. Allele origin: germline.
Comment: This sequence change affects the initiator codon of the SDHA mRNA. This change may impact translation initiation or efficiency. The next in-frame methionine is located at codon 114. This variant is not present in population databases (gnomAD no frequency). Disruption of the initiator codon has been observed in individuals with pheochromocytoma, gastrointestinal stromal tumor, and clinical features of complex II deficiency (PMID: 10746566, 28384794, 31413764). ClinVar contains an entry for this variant (Variation ID: 8744). Algorithms developed to predict the effect of variants on gene product structure and function are not available or were not evaluated for this variant. Experimental studies have shown that disruption of the initiator codon affects SDHA function (PMID: 10746566). For these reasons, this variant has been classified as Pathogenic.

Ambry Genetics
Classification: Pathogenic for Hereditary cancer-predisposing syndrome. Last evaluated: 2024-10-14. Review status: criteria provided, single submitter. Criteria: Ambry Variant Classification Scheme 2023. Collection method: clinical testing. Allele origin: germline.
Comment: The p.M1? pathogenic mutation (also known as c.1A>C) is located in coding exon 1 of the SDHA gene and results from an A to C substitution at nucleotide position 1. This alters the methionine residue at the initiation codon. There is an in-frame methionine 114 amino acids downstream from this initiation site which may result in an N-terminal truncation; however, direct evidence is unavailable. This alteration has been reported in an individual with Leigh syndrome who also carried a functionally deleterious SDHA alteration in trans (Parfait B et al. Hum. Genet. 2000 Feb;106:236-43). This alteration has also been observed individuals with paraganglioma and gastrointestinal stromal tumor (GIST) (Bausch B et al. JAMA Oncol. 2017 Sep;3(9):1204-1212; Carrera S et al. Hered. Cancer Clin. Pract. 2019 Aug;17:23). In addition to the clinical data presented in the literature, sequence variations that modify the initiation codon are expected to result in either loss of translation initiation, N-terminal truncation, or cause a shift in the mRNA reading frame. Based on the supporting evidence, this variant is interpreted as a disease-causing mutation.

Myriad Genetics, Inc.
Classification: Pathogenic for Pheochromocytoma/paraganglioma syndrome 5. Last evaluated: 2023-08-10. Review status: criteria provided, single submitter. Criteria: Myriad Autosomal Dominant, Autosomal Recessive and X-Linked Classification Criteria (2023). Collection method: clinical testing. Allele origin: unknown.
Comment: This variant is considered pathogenic. This variant is located within the gene translation start codon (p.Met1?) and is predicted to result in abnormal protein translation. This variant has been reported in multiple individuals with clinical features of gene-specific disease [PMID: 28384794, 35014173, 10746566, 32971818].

Women's Health and Genetics/Laboratory Corporation of America, LabCorp
Classification: Pathogenic for Neurodegeneration with ataxia and late-onset optic atrophy. Last evaluated: 2023-05-03. Review status: criteria provided, single submitter. Criteria: LabCorp Variant Classification Summary - May 2015. Collection method: clinical testing. Allele origin: germline.
Comment: Variant summary: SDHA c.1A>C (p.Met1?) alters the initiation codon and is predicted to result either in absence of the protein or truncation of the encoded protein due to translation initiation at a downstream codon. The next in-frame Methionine is located at codon 114 in exon 4 of the encoded protein sequence. The variant was absent in 114846 control chromosomes. c.1A>C has been reported in the literature as a compound heterozygous genotype in an individual affected with features of Leigh Syndrome with Succinate dehydrogenase deficiency (example, Parfait_2000) and as a heterozygous genotype in individuals affected with features of extra-adrenal thoracid paraganglioma and/or Gastrointestinal stromal tumors (GISTs) (example, Bausch_2017, Carrera_2019). At least one publication reports experimental evidence evaluating an impact on transcript levels (Parfait_2000). The most pronounced variant effect results in mutant transcript representing only 10% of total Flavoprotein (Fp) transcripts, suggesting a high instability of this transcript. The following publications have been ascertained in the context of this evaluation (PMID: 28384794, 31413764, 10746566). Two clinical diagnostic laboratories have submitted clinical-significance assessments for this variant to ClinVar after 2014 without evidence for independent evaluation. All laboratories classified the variant as pathogenic. Based on the evidence outlined above, the variant was classified as pathogenic.

OMIM
Classification: Pathogenic for MITOCHONDRIAL COMPLEX II DEFICIENCY, NUCLEAR TYPE 1. Last evaluated: 2000-02-01. Review status: no assertion criteria provided. Collection method: literature only. Allele origin: germline. Not counted in ClinVar's aggregate classification.

Literature cited by the submitters: PubMed 10746566 (cited by 4 submitters); PubMed 28384794 (cited by 3 submitters); PubMed 31413764 (cited by Labcorp Genetics (formerly Invitae), Labcorp and Women's Health and Genetics/Laboratory Corporation of America, LabCorp); PubMed 35014173 (cited by Myriad Genetics, Inc.); PubMed 32971818 (cited by Myriad Genetics, Inc.).